The following is an entry in ClinVar:

NC_000002.11:g.(?_200136914)_(200320780_?)del

Gene: SATB2 (SATB homeobox 2; minus strand). Cytogenetic location: 2q33.1.
Variant type: Deletion.
Identifiers: ClinVar variation 1076235 (VCV001076235.2).

ClinVar aggregate classification (germline): Pathogenic (1 of 4 stars; one submission).

Conditions:
Chromosome 2q32-q33 deletion syndrome (GLASS). Also called: 2q33.1 deletion syndrome; Glass syndrome. Identifiers: Orphanet 251019, MedGen C2676739, MONDO:0012864, OMIM 612313.

Submission:

Labcorp Genetics (formerly Invitae), Labcorp
Classification: Pathogenic for Chromosome 2q32-q33 deletion syndrome. Last evaluated: 2022-10-25. Review status: criteria provided, single submitter. Criteria: Invitae Variant Classification Sherloc (09022015). Collection method: clinical testing. Allele origin: germline.
Comment: A gross deletion of the genomic region encompassing the full coding sequence of the SATB2 gene has been identified. Loss-of-function variants in SATB2 are known to be pathogenic (PMID: 25885067). The boundaries of this event are unknown as they extend beyond the assayed region for this gene and therefore may encompass additional genes. Isolated whole-gene deletions of SATB2 have not been reported in the literature. However, larger copy number events that include this gene have been reported (PMID: 21343628, 29436146). For these reasons, this variant has been classified as Pathogenic.

Literature cited by the submitters: PubMed 25885067; PubMed 21343628; PubMed 29436146.